The following is an entry in ClinVar:

NM_198576.4(AGRN):c.4996G>T (p.Val1666Phe)

Gene: AGRN (agrin; plus strand). Cytogenetic location: 1p36.33.
Variant type: single nucleotide variant.
Coding change: c.4996G>T on transcript NM_198576.4 (MANE Select); coding-DNA position 4996, G replaced by T.
Protein change: p.Val1666Phe; replaces valine 1666 with phenylalanine.
Molecular consequence: missense variant.
Genome position (GRCh38, 1-based): chr1:1,050,446, G>T. VCF-style: chr1-1050446-G-T. GRCh37 (hg19) VCF-style: chr1-985826-G-T.
Other names: c.4996G>T, p.Val1666Phe (NM_001305275.2); c.4681G>T, p.Val1561Phe (NM_001364727.2); short protein forms V1666F, V1561F.
Identifiers: ClinVar variation 845955 (VCV000845955.7), dbSNP rs17160775, ClinGen allele CA16701111.

ClinVar aggregate classification (germline): Uncertain significance (1 of 4 stars; one submission).

Conditions:
Congenital myasthenic syndrome 8. Also called: MYASTHENIC SYNDROME, CONGENITAL, DUE TO AGRIN DEFICIENCY; Myasthenic syndrome, congenital, 8, with pre- and postsynaptic defects. Identifiers: Orphanet 590, MedGen C3808739, MONDO:0014052, OMIM 615120.

gnomAD v4.1: 6 of 1,612,928 alleles (0.00037%); highest among the groups gnomAD compares: East Asian, 0.0045%; no homozygotes.

Submission:

Labcorp Genetics (formerly Invitae), Labcorp
Classification: Uncertain significance for Congenital myasthenic syndrome 8. Last evaluated: 2022-09-12. Review status: criteria provided, single submitter. Criteria: Invitae Variant Classification Sherloc (09022015). Collection method: clinical testing. Allele origin: germline.
Comment: This sequence change replaces valine, which is neutral and non-polar, with phenylalanine, which is neutral and non-polar, at codon 1666 of the AGRN protein (p.Val1666Phe). This variant is present in population databases (no rsID available, gnomAD 0.003%). This variant has not been reported in the literature in individuals affected with AGRN-related conditions. ClinVar contains an entry for this variant (Variation ID: 845955). Algorithms developed to predict the effect of missense changes on protein structure and function are either unavailable or do not agree on the potential impact of this missense change (SIFT: "Deleterious"; PolyPhen-2: "Possibly Damaging"; Align-GVGD: "Class C0"). In summary, the available evidence is currently insufficient to determine the role of this variant in disease. Therefore, it has been classified as a Variant of Uncertain Significance.